The following is an entry in ClinVar:

ClinVar aggregate classification (germline): Uncertain significance (1 of 4 stars; one submission).

Conditions:
Mucopolysaccharidosis type 1. Also called: IDUA deficiency; MPS I; Mucopolysaccharidosis Type I. Identifiers: Orphanet 579, MedGen C0023786, MONDO:0001586.

Allele frequency attached by ClinVar (database versions not stated): gnomAD 0.00001.

Submission:

Labcorp Genetics (formerly Invitae), Labcorp
Classification: Uncertain significance for Mucopolysaccharidosis type 1. Last evaluated: 2025-07-09. Review status: criteria provided, single submitter. Criteria: Invitae Variant Classification Sherloc (09022015). Collection method: clinical testing. Allele origin: germline.
Comment: This sequence change replaces threonine, which is neutral and polar, with isoleucine, which is neutral and non-polar, at codon 317 of the IDUA protein (p.Thr317Ile). This variant is not present in population databases (gnomAD no frequency). This variant has not been reported in the literature in individuals affected with IDUA-related conditions. ClinVar contains an entry for this variant (Variation ID: 2007918). Invitae Evidence Modeling of protein sequence and biophysical properties (such as structural, functional, and spatial information, amino acid conservation, physicochemical variation, residue mobility, and thermodynamic stability) has been performed for this missense variant. However, the output from this modeling did not meet the statistical confidence thresholds required to predict the impact of this variant on IDUA protein function. In summary, the available evidence is currently insufficient to determine the role of this variant in disease. Therefore, it has been classified as a Variant of Uncertain Significance.

NM_000203.5(IDUA):c.950C>T (p.Thr317Ile)

Gene: IDUA (alpha-L-iduronidase; plus strand). Cytogenetic location: 4p16.3.
Variant type: single nucleotide variant.
Coding change: c.950C>T on transcript NM_000203.5 (MANE Select); coding-DNA position 950, C replaced by T.
Protein change: p.Thr317Ile; replaces threonine 317 with isoleucine.
Molecular consequence: missense variant. On other transcripts: non-coding transcript variant (1).
Genome position (GRCh38, 1-based): chr4:1,002,139, C>T. VCF-style: chr4-1002139-C-T. GRCh37 (hg19) VCF-style: chr4-995927-C-T.
Other names: c.554C>T, p.Thr185Ile (NM_001363576.1); short protein forms T317I, T185I.
Identifiers: ClinVar variation 2007918 (VCV002007918.4), dbSNP rs1170717159, ClinGen allele CA355962786.
Genomic context (GRCh38, chr4:1,002,139, plus strand): 5'-ACGACGAGGCGGACCCGCTGGTGGGCTGGTCCCTGCCACAGCCGTGGAGGGCGGACGTGA[C>T]CTACGCGGCCATGGTGGTGAAGGTGGGCCGGCCCAACGCCCTGCGCGCCCCCCGGCCACC-3'
Protein context (NP_000194.2, residues 307-327): SLPQPWRADV[Thr317Ile]YAAMVVKVIA